The following is an entry in ClinVar:

ClinVar aggregate classification (germline): Uncertain significance (1 of 4 stars; one submission).

Conditions:
Joubert syndrome. Also called: CEREBELLOPARENCHYMAL DISORDER IV; JOUBERT-BOLTSHAUSER SYNDROME; Familial aplasia of the vermis. Identifiers: Orphanet 475, MedGen C5979921, MONDO:0018772.
Nephronophthisis. Also called: Juvenile Nephronophthisis. Identifiers: Orphanet 655, MedGen C0687120, MONDO:0019005, HP:0000090.
Meckel-Gruber syndrome. Also called: DYSENCEPHALIA SPLANCHNOCYSTICA; GRUBER SYNDROME; Dysencephalia splachnocystica. Identifiers: Orphanet 564, MedGen C0265215, MONDO:0018921.

Submission:

Labcorp Genetics (formerly Invitae), Labcorp
Classification: Uncertain significance for Joubert syndrome; Meckel-Gruber syndrome; Nephronophthisis. Last evaluated: 2022-05-03. Review status: criteria provided, single submitter. Criteria: Invitae Variant Classification Sherloc (09022015). Collection method: clinical testing. Allele origin: germline.
Comment: In summary, the available evidence is currently insufficient to determine the role of this variant in disease. Therefore, it has been classified as a Variant of Uncertain Significance. Variants that disrupt the consensus splice site are a relatively common cause of aberrant splicing (PMID: 17576681, 9536098). Algorithms developed to predict the effect of sequence changes on RNA splicing suggest that this variant may disrupt the consensus splice site. This variant has not been reported in the literature in individuals affected with CEP290-related conditions. This variant is not present in population databases (gnomAD no frequency). This sequence change falls in intron 53 of the CEP290 gene. It does not directly change the encoded amino acid sequence of the CEP290 protein. It affects a nucleotide within the consensus splice site.

Literature cited by the submitters: PubMed 17576681; PubMed 9536098.

NM_025114.4(CEP290):c.7210-3T>G

Genes: CEP290 (centrosomal protein 290; minus strand), RLIG1 (RNA 5'-phosphate and 3'-OH ligase 1; plus strand). Cytogenetic location: 12q21.32.
Variant type: single nucleotide variant.
Coding change: c.7210-3T>G on transcript NM_025114.4 (MANE Select); 3 bases into the intron before coding-DNA position 7210, T replaced by G.
Molecular consequence: intron variant. On other transcripts: 3 prime UTR variant (1).
Genome position (GRCh38, 1-based): chr12:88,049,417, A>C on the plus strand (T>G on the coding strand, the complement: CEP290 is on the minus strand). VCF-style: chr12-88049417-A-C. GRCh37 (hg19) VCF-style: chr12-88443194-A-C.
Other names: c.*995A>C (NM_001009894.3).
Identifiers: ClinVar variation 2132689 (VCV002132689.4), dbSNP rs2499344788, ClinGen allele CA2580086706.